The following is an entry in ClinVar:

ClinVar aggregate classification (germline): Uncertain significance. Review status: criteria provided, multiple submitters, no conflicts (2 of 4 stars). 2 submissions from 2 submitters: Uncertain significance (2). Last evaluated 2024-07-13.

Conditions:
Gorlin syndrome. Also called: Nevoid Basal Cell Carcinoma Syndrome; Basal cell nevus syndrome. Identifiers: Orphanet 377, MedGen C0004779, MONDO:0007187.
Hereditary cancer-predisposing syndrome. Also called: Hereditary neoplastic syndrome; Hereditary Cancer Syndrome; Tumor predisposition; Neoplastic Syndromes, Hereditary. Identifiers: Orphanet 140162, MedGen C0027672, MeSH D009386, MONDO:0015356.

Submissions (2):

Ambry Genetics
Classification: Uncertain significance for Hereditary cancer-predisposing syndrome. Last evaluated: 2024-07-13. Review status: criteria provided, single submitter. Criteria: Ambry Variant Classification Scheme 2023. Collection method: clinical testing. Allele origin: germline.
Comment: The p.K432R variant (also known as c.1295A>G), located in coding exon 9 of the PTCH1 gene, results from an A to G substitution at nucleotide position 1295. The lysine at codon 432 is replaced by arginine, an amino acid with highly similar properties. This amino acid position is conserved. In addition, the in silico prediction for this alteration is inconclusive. Based on the available evidence, the clinical significance of this variant remains unclear.

Labcorp Genetics (formerly Invitae), Labcorp
Classification: Uncertain significance for Gorlin syndrome. Last evaluated: 2019-11-14. Review status: criteria provided, single submitter. Criteria: Invitae Variant Classification Sherloc (09022015). Collection method: clinical testing. Allele origin: germline.
Comment: This sequence change replaces lysine with arginine at codon 432 of the PTCH1 protein (p.Lys432Arg). The lysine residue is moderately conserved and there is a small physicochemical difference between lysine and arginine. In summary, the available evidence is currently insufficient to determine the role of this variant in disease. Therefore, it has been classified as a Variant of Uncertain Significance. Algorithms developed to predict the effect of missense changes on protein structure and function output the following: SIFT: "Tolerated"; PolyPhen-2: "Benign"; Align-GVGD: "Class C0". The arginine amino acid residue is found in multiple mammalian species, suggesting that this missense change does not adversely affect protein function. These predictions have not been confirmed by published functional studies and their clinical significance is uncertain. This variant has not been reported in the literature in individuals with PTCH1-related conditions. This variant is not present in population databases (ExAC no frequency).

NM_000264.5(PTCH1):c.1295A>G (p.Lys432Arg)

Gene: PTCH1 (patched 1; minus strand). Cytogenetic location: 9q22.32.
Variant type: single nucleotide variant.
Coding change: c.1295A>G on transcript NM_000264.5 (MANE Select); coding-DNA position 1295, A replaced by G.
Protein change: p.Lys432Arg; replaces lysine 432 with arginine.
Molecular consequence: missense variant. On other transcripts: non-coding transcript variant (1).
Genome position (GRCh38, 1-based): chr9:95,478,107, T>C on the plus strand (A>G on the coding strand, the complement: PTCH1 is on the minus strand). VCF-style: chr9-95478107-T-C. GRCh37 (hg19) VCF-style: chr9-98240389-T-C.
Other names: c.1097A>G, p.Lys366Arg (NM_001083602.3); c.1292A>G, p.Lys431Arg (NM_001083603.3); c.842A>G, p.Lys281Arg (NM_001083604.3, NM_001083605.3, NM_001083606.3 and 1 more transcripts); c.1295A>G, p.Lys432Arg (NM_001354918.2); short protein forms K432R, K281R, K431R, K366R.
Identifiers: ClinVar variation 969906 (VCV000969906.11), dbSNP rs1841223979, ClinGen allele CA374118806.